The following is an entry in ClinVar:

NM_000094.4(COL7A1):c.6081dup (p.Gly2028fs)

Gene: COL7A1 (collagen type VII alpha 1 chain; minus strand). Cytogenetic location: 3p21.31.
Variant type: Duplication.
Coding change: c.6081dup on transcript NM_000094.4 (MANE Select); coding-DNA position 6081, one base duplicated (C; older notation c.6081dupC).
Protein change: p.Gly2028fs; shifts the reading frame from glycine 2028.
Molecular consequence: frameshift variant.
Genome position (GRCh38, 1-based): chr3:48,575,438, G duplicated on the plus strand (C on the coding strand, the reverse complement: COL7A1 is on the minus strand); the first of 7 consecutive G bases (chr3:48,575,438-48,575,444); duplicating any one gives the same sequence. VCF-style (leftmost placement, unchanged base first): chr3-48575437-C-CG. GRCh37 (hg19) VCF-style: chr3-48612870-C-CG.
Other names: c.6081dup (NM_000094.3); c.6081dupC (NM_000094.4); short protein forms G2028fs.
Identifiers: ClinVar variation 817592 (VCV000817592.12), dbSNP rs780623622, ClinGen allele CA433617103.

ClinVar aggregate classification (germline): Pathogenic/Likely pathogenic. Review status: criteria provided, multiple submitters, no conflicts (2 of 4 stars). 8 submissions from 8 submitters: Pathogenic (7); Likely pathogenic (1). Last evaluated 2025-04-12.

Conditions:
Nonsyndromic congenital nail disorder 8. Also called: TOENAIL DYSTROPHY, ISOLATED. Identifiers: MedGen C1843761, MONDO:0011852, OMIM 607523.
Recessive dystrophic epidermolysis bullosa (RDEB). Also called: Hallopeau-Siemens Disease; EPIDERMOLYSIS BULLOSA DYSTROPHICA, GENERALIZED SEVERE, AUTOSOMAL RECESSIVE; Epidermolysis Bullosa Distrophica Autosomal Recessive (RDEB); DYSTROPHIC EPIDERMOLYSIS BULLOSA, AUTOSOMAL RECESSIVE; EPIDERMOLYSIS BULLOSA DYSTROPHICA, HALLOPEAU-SIEMENS TYPE; epidermolysis bullosa dystrophica, autosomal recessive. Identifiers: Orphanet 79408, Orphanet 79409, MedGen C0079474, MONDO:0009179, OMIM 226600.
Epidermolysis bullosa dystrophica. Also called: Dystrophic epidermolysis bullosa, Hallopeau-Siemens type (formerly); Dystrophic epidermolysis bullosa. Identifiers: Orphanet 303, MedGen C0079294, MONDO:0006543.

Submissions (8):

Natera, Inc.
Classification: Pathogenic for Dystrophic epidermolysis bullosa. Last evaluated: 2025-04-12. Review status: criteria provided, single submitter. Criteria: Natera Variant Classification Schema (03/2026). Collection method: clinical testing. Allele origin: germline.
Comment: The c.6081dupC variant in COL7A1 is a frameshift variant predicted to shift the reading frame beginning at codon 2028 and leads to a stop codon 71 codons downstream. This variant is expected to result in nonsense mediated decay, truncation, or a dysfunctional protein product. This variant is rare in the general population with a frequency below the threshold expected for the associated phenotype(s). This variant has been observed in one or more individuals affected with the associated recessive disease, as either homozygous or compound heterozygous with a second variant (PMID: 19665875, 26707537). Given the available evidence, this variant is classified as Pathogenic.

Myriad Genetics, Inc.
Classification: Pathogenic for Recessive dystrophic epidermolysis bullosa. Last evaluated: 2024-06-10. Review status: criteria provided, single submitter. Criteria: Myriad Autosomal Dominant, Autosomal Recessive and X-Linked Classification Criteria (2023). Collection method: clinical testing. Allele origin: unknown.
Comment: NM_000094.3(COL7A1):c.6081dupC(G2028Rfs*71) is expected to be pathogenic in the context of dystrophic epidermolysis bullosa. This variant is predicted to lead to an abnormal or absent protein product due to the creation of a premature termination codon in COL7A1, a gene where loss-of-function variants are known to be pathogenic. Please note: this variant was assessed in the context of healthy population screening.

Labcorp Genetics (formerly Invitae), Labcorp
Classification: Pathogenic. Last evaluated: 2024-02-05. Review status: criteria provided, single submitter. Criteria: Invitae Variant Classification Sherloc (09022015). Collection method: clinical testing. Allele origin: germline.
Comment: This sequence change creates a premature translational stop signal (p.Gly2028Argfs*71) in the COL7A1 gene. It is expected to result in an absent or disrupted protein product. Loss-of-function variants in COL7A1 are known to be pathogenic (PMID: 16971478). The frequency data for this variant in the population databases is considered unreliable, as metrics indicate poor data quality at this position in the gnomAD database. This premature translational stop signal has been observed in individuals with COL7A1-related conditions (PMID: 12813757, 30280950). ClinVar contains an entry for this variant (Variation ID: 817592). For these reasons, this variant has been classified as Pathogenic.

GeneDx
Classification: Pathogenic. Last evaluated: 2023-11-08. Review status: criteria provided, single submitter. Criteria: GeneDx Variant Classification Process June 2021. Collection method: clinical testing. Allele origin: germline. Affected: yes.
Comment: Frameshift variant predicted to result in protein truncation or nonsense mediated decay in a gene for which loss of function is a known mechanism of disease; This variant is associated with the following publications: (PMID: 19814614, 12813757, 16189623, 20598510, 30280950, 32978145, 19665875, 26707537, 34286919, 19681861, 37452458)

Institute for Clinical Genetics, University Hospital TU Dresden, University Hospital TU Dresden
Classification: Pathogenic. Last evaluated: 2023-03-31. Review status: criteria provided, single submitter. Criteria: ACMG Guidelines, 2015. Collection method: clinical testing. Allele origin: maternal.
Comment: PS4_MOD, PVS1, PP4, PM2_SUP

Department of Pathology and Laboratory Medicine, Sinai Health System
Classification: Pathogenic for Nonsyndromic congenital nail disorder 8. Last evaluated: 2023-03-22. Review status: criteria provided, single submitter. Criteria: ACMG Guidelines, 2015. Collection method: research. Allele origin: germline.

Biomedical Innovation Departament, CIEMAT
Classification: Pathogenic for Dystrophic epidermolysis bullosa. Last evaluated: 2011-08-12. Review status: criteria provided, single submitter. Criteria: ACMG Guidelines, 2015. Collection method: research. Allele origin: germline. Affected: yes. Observed: 1 variant allele.

Neuberg Centre For Genomic Medicine, NCGM
Classification: Likely pathogenic for Recessive dystrophic epidermolysis bullosa. Review status: criteria provided, single submitter. Criteria: ACMG Guidelines, 2015. Collection method: clinical testing. Allele origin: germline. Inheritance: Autosomal recessive inheritance. Affected: yes.
Comment: The frameshift variant c.6081dup (p.Gly2028ArgfsTer71) in COL7A1 gene has not been reported previously as a pathogenic variant nor as a benign variant, to our knowledge. The p.Gly2028ArgfsTer71 variant is reported with the allele frequency (0.0008%) in the gnomAD Exomes and is novel (not in any individuals) in 1000 Genomes. This variant causes a frameshift starting with codon Glycine 2028, changes this amino acid to Arginine residue, and creates a premature Stop codon at position 71 of the new reading frame, denoted p.Gly2028ArgfsTer71. This variant is predicted to cause loss of normal protein function through protein truncation. Loss of function variants have been previously reported to be disease causing. For these reasons, this variant has been classified as Likely Pathogenic.

Literature cited by the submitters: PubMed 19665875 (cited by Natera, Inc.); PubMed 26707537 (cited by Natera, Inc.); PubMed 16971478 (cited by Labcorp Genetics (formerly Invitae), Labcorp); PubMed 12813757 (cited by Labcorp Genetics (formerly Invitae), Labcorp and Biomedical Innovation Departament, CIEMAT); PubMed 30280950 (cited by Labcorp Genetics (formerly Invitae), Labcorp).